The following is an entry in ClinVar:

ClinVar aggregate classification (germline): Uncertain significance (1 of 4 stars; one submission).

Conditions:
Inborn genetic diseases. Identifiers: MedGen C0950123, MeSH D030342.

Allele frequency attached by ClinVar (database versions not stated): gnomAD 0.00001; TOPMed 0.00001.
gnomAD v4.1: 3 of 1,614,038 alleles (0.00019%); highest among the groups gnomAD compares: East Asian, 0.0045%; no homozygotes.

Submission:

Ambry Genetics
Classification: Uncertain significance for Inborn genetic diseases. Last evaluated: 2022-11-09. Review status: criteria provided, single submitter. Criteria: Ambry Variant Classification Scheme 2023. Collection method: clinical testing. Allele origin: germline.
Comment: The c.1426C>G (p.Q476E) alteration is located in exon 5 (coding exon 5) of the MEFV gene. This alteration results from a C to G substitution at nucleotide position 1426, causing the glutamine (Q) at amino acid position 476 to be replaced by a glutamic acid (E). This allele was reported in one heterozygous individual in population-based cohorts in the Genome Aggregation Database (gnomAD). This amino acid position is conserved in available mammalian species. This alteration is predicted to be tolerated by in silico analysis. Based on insufficient or conflicting evidence, the clinical significance of this alteration remains unclear.

NM_000243.3(MEFV):c.1426C>G (p.Gln476Glu)

Gene: MEFV (MEFV innate immunity regulator, pyrin; minus strand). Cytogenetic location: 16p13.3.
Variant type: single nucleotide variant.
Coding change: c.1426C>G on transcript NM_000243.3 (MANE Select); coding-DNA position 1426, C replaced by G.
Protein change: p.Gln476Glu; replaces glutamine 476 with glutamic acid.
Molecular consequence: missense variant.
Genome position (GRCh38, 1-based): chr16:3,247,177, G>C on the plus strand (C>G on the coding strand, the complement: MEFV is on the minus strand). VCF-style: chr16-3247177-G-C. GRCh37 (hg19) VCF-style: chr16-3297177-G-C.
Other names: c.793C>G, p.Gln265Glu (NM_001198536.2); short protein forms Q265E, Q476E.
Identifiers: ClinVar variation 2314411 (VCV002314411.2), dbSNP rs1276287320, ClinGen allele CA394464551.
Genomic context (GRCh38, chr16:3,247,177, plus strand): 5'-TCCTGATCTGCCCAACCATCTGGCCCACGTCCTCCAGTGAGGCCACAAAGAAATGCTCTT[G>C]CTGCTCCAGGAAGTAGTACACCTGCTCCAGCTTCCTCTGCACCCGCTGCTTCAGCGCTTC-3'
Protein context (NP_000234.1, residues 466-486): LEQVYYFLEQ[Gln476Glu]EHFFVASLED